The following is an entry in ClinVar:

ClinVar aggregate classification (germline): Likely pathogenic (1 of 4 stars; one submission).

Conditions:
Autosomal recessive limb-girdle muscular dystrophy type 2J (LGMDR10). Also called: Limb-girdle muscular dystrophy, type 2J; MUSCULAR DYSTROPHY, LIMB-GIRDLE, AUTOSOMAL RECESSIVE 10. Identifiers: Orphanet 140922, MedGen C1837342, MONDO:0012127, OMIM 608807.
Dilated cardiomyopathy 1G (CMD1G). Identifiers: Orphanet 154, MedGen C1858763, MONDO:0011400, OMIM 604145.

Allele frequency attached by ClinVar (database versions not stated): gnomAD 0.00001; TOPMed 0.00001.
gnomAD v4.1: 2 of 1,613,242 alleles (0.00012%); highest among the groups gnomAD compares: African/African-American, 0.0027%; no homozygotes.

Submission:

Labcorp Genetics (formerly Invitae), Labcorp
Classification: Likely pathogenic for Dilated cardiomyopathy 1G; Autosomal recessive limb-girdle muscular dystrophy type 2J. Last evaluated: 2024-11-04. Review status: criteria provided, single submitter. Criteria: Invitae Variant Classification Sherloc (09022015). Collection method: clinical testing. Allele origin: germline.
Comment: This sequence change creates a premature translational stop signal (p.Glu6413*) in the TTN gene. While this is not anticipated to result in nonsense mediated decay, it is expected to create a truncated TTN protein. This variant is not present in population databases (gnomAD no frequency). This variant has not been reported in the literature in individuals affected with TTN-related conditions. ClinVar contains an entry for this variant (Variation ID: 2122401). Algorithms developed to predict the effect of sequence changes on RNA splicing suggest that this variant may disrupt the consensus splice site. This variant is located in the I band of TTN (PMID: 25589632). Truncating variants in this region have been reported in individuals affected with autosomal recessive centronuclear myopathy (PMID: 23975875, internal data). Truncating variants in this region have also been identified in individuals affected with autosomal dominant dilated cardiomyopathy and/or cardio-related conditions (PMID: 27869827, 32964742, internal data). In summary, the currently available evidence indicates that the variant is pathogenic, but additional data are needed to prove that conclusively. Therefore, this variant has been classified as Likely Pathogenic.

Literature cited by the submitters: PubMed 25589632; PubMed 23975875; PubMed 27869827; PubMed 32964742.

NM_001267550.2(TTN):c.19237G>T (p.Glu6413Ter)

Gene: TTN (titin; minus strand). Cytogenetic location: 2q31.2.
Variant type: single nucleotide variant.
Coding change: c.19237G>T on transcript NM_001267550.2 (MANE Select); coding-DNA position 19237, G replaced by T.
Protein change: p.Glu6413Ter; replaces glutamic acid 6413 with a stop codon.
Molecular consequence: nonsense. On other transcripts: intron variant (3).
Genome position (GRCh38, 1-based): chr2:178,728,689, C>A on the plus strand (G>T on the coding strand, the complement: TTN is on the minus strand). VCF-style: chr2-178728689-C-A. GRCh37 (hg19) VCF-style: chr2-179593416-C-A.
Other names: c.18286G>T, p.Glu6096Ter (NM_001256850.1); c.15505G>T, p.Glu5169Ter (NM_133378.4); c.13282+9393G>T (NM_003319.4); c.13858+9393G>T (NM_133437.4); c.13657+9393G>T (NM_133432.3); short protein forms E6096*, E5169*, E6413*.
Identifiers: ClinVar variation 2122401 (VCV002122401.4), dbSNP rs1003952760, ClinGen allele CA60977276.